The following is an entry in ClinVar:

ClinVar aggregate classification (germline): Pathogenic (1 of 4 stars; one submission).

Submission:

GeneDx
Classification: Pathogenic. Last evaluated: 2025-02-26. Review status: criteria provided, single submitter. Criteria: GeneDx Variant Classification Process June 2021. Collection method: clinical testing. Allele origin: germline.
Comment: Nonsense variant predicted to result in protein truncation or nonsense mediated decay in a gene for which loss of function is a known mechanism of disease; Not observed at significant frequency in large population cohorts (gnomAD); Has not been previously published as pathogenic or benign to our knowledge

NM_000441.2(SLC26A4):c.1184C>G (p.Ser395Ter)

Gene: SLC26A4 (solute carrier family 26 member 4; plus strand). Cytogenetic location: 7q22.3.
Variant type: single nucleotide variant.
Coding change: c.1184C>G on transcript NM_000441.2 (MANE Select); coding-DNA position 1184, C replaced by G.
Protein change: p.Ser395Ter; replaces serine 395 with a stop codon.
Molecular consequence: nonsense.
Genome position (GRCh38, 1-based): chr7:107,690,158, C>G. VCF-style: chr7-107690158-C-G. GRCh37 (hg19) VCF-style: chr7-107330603-C-G.
Other names: short protein forms S395*.
Identifiers: ClinVar variation 3362019 (VCV003362019.2).